The following is an entry in ClinVar:

NM_001378030.1(CCDC78):c.1054-9C>G

Gene: CCDC78 (coiled-coil domain containing 78; minus strand). Cytogenetic location: 16p13.3.
Variant type: single nucleotide variant.
Coding change: c.1054-9C>G on transcript NM_001378030.1 (MANE Select); 9 bases into the intron before coding-DNA position 1054, C replaced by G.
Molecular consequence: intron variant.
Genome position (GRCh38, 1-based): chr16:723,945, G>C on the plus strand (C>G on the coding strand, the complement: CCDC78 is on the minus strand). VCF-style: chr16-723945-G-C. GRCh37 (hg19) VCF-style: chr16-773945-G-C.
Other names: c.487-9C>G (NM_001378033.1); c.953+377C>G (NM_001378031.1); c.1054-9C>G (NM_001031737.3).
Identifiers: ClinVar variation 1380715 (VCV001380715.8), dbSNP rs781457535, ClinGen allele CA7789275.

ClinVar aggregate classification (germline): Uncertain significance (1 of 4 stars; one submission).

Conditions:
Congenital myopathy with internal nuclei and atypical cores. Also called: Myopathy, centronuclear, 4. Identifiers: Orphanet 319160, MedGen C4707232, MONDO:0013890, OMIM 614807.

Allele frequency attached by ClinVar (database versions not stated): gnomAD exomes below 0.00001; gnomAD 0.00001; TOPMed 0.00001; ExAC 0.00002.
gnomAD v4.1: 2 of 1,602,740 alleles (0.00012%); highest among the groups gnomAD compares: African/African-American, 0.0027%; no homozygotes.

Submission:

Labcorp Genetics (formerly Invitae), Labcorp
Classification: Uncertain significance for Congenital myopathy with internal nuclei and atypical cores. Last evaluated: 2022-08-16. Review status: criteria provided, single submitter. Criteria: Invitae Variant Classification Sherloc (09022015). Collection method: clinical testing. Allele origin: germline.
Comment: In summary, the available evidence is currently insufficient to determine the role of this variant in disease. Therefore, it has been classified as a Variant of Uncertain Significance. Algorithms developed to predict the effect of sequence changes on RNA splicing suggest that this variant may disrupt the consensus splice site. ClinVar contains an entry for this variant (Variation ID: 1380715). This variant has not been reported in the literature in individuals affected with CCDC78-related conditions. This variant is present in population databases (rs781457535, gnomAD 0.008%). This sequence change falls in intron 10 of the CCDC78 gene. It does not directly change the encoded amino acid sequence of the CCDC78 protein.